The following is an entry in ClinVar:

ClinVar aggregate classification (germline): Uncertain significance (1 of 4 stars; one submission).

Conditions:
Global developmental delay with speech and behavioral abnormalities. Identifiers: MedGen C5543226, MONDO:0030995, OMIM 619243.

gnomAD v4.1: 1 of 1,613,510 alleles (0.000062%); highest among the groups gnomAD compares: African/African-American, 0.0013%; no homozygotes.

Submission:

Clinical Genomics Laboratory, Washington University in St. Louis
Classification: Uncertain significance for Global developmental delay with speech and behavioral abnormalities. Last evaluated: 2025-11-02. Review status: criteria provided, single submitter. Criteria: ACMG Guidelines, 2015. Collection method: clinical testing. Allele origin: germline.
Comment: The TNRC6B c.5114+7A>T variant, to our knowledge, has not been reported in the medical literature. This variant is absent from the general population (gnomAD v.2.1.1), indicating it is not a common variant. Computational predictors indicate that this variant would alter splicing by causing a donor loss 7 base pairs from the variant, evidence that correlates with an impact on the function of TNRC6B. Due to limited information, and based on ACMG/AMP guidelines for variant interpretation (Richards S et al., PMID: 25741868), the clinical significance of this variant is uncertain at this time.

NM_001162501.2(TNRC6B):c.5114+7A>T

Gene: TNRC6B (trinucleotide repeat containing adaptor 6B; plus strand). Cytogenetic location: 22q13.1.
Variant type: single nucleotide variant.
Coding change: c.5114+7A>T on transcript NM_001162501.2 (MANE Select); 7 bases into the intron after coding-DNA position 5114, A replaced by T.
Molecular consequence: intron variant.
Genome position (GRCh38, 1-based): chr22:40,321,236, A>T. VCF-style: chr22-40321236-A-T. GRCh37 (hg19) VCF-style: chr22-40717240-A-T.
Other names: c.2702+7A>T (NM_001024843.2); c.4784+7A>T (NM_015088.3).
Identifiers: ClinVar variation 4879228 (VCV004879228.1).